The following is an entry in ClinVar:

NM_003139.4(SRPRA):c.1202G>A (p.Arg401His)

Gene: SRPRA (SRP receptor subunit alpha; minus strand). Cytogenetic location: 11q24.2.
Variant type: single nucleotide variant.
Coding change: c.1202G>A on transcript NM_003139.4 (MANE Select); coding-DNA position 1202, G replaced by A.
Protein change: p.Arg401His; replaces arginine 401 with histidine.
Molecular consequence: missense variant.
Genome position (GRCh38, 1-based): chr11:126,265,377, C>T on the plus strand (G>A on the coding strand, the complement: SRPRA is on the minus strand). VCF-style: chr11-126265377-C-T. GRCh37 (hg19) VCF-style: chr11-126135272-C-T.
Other names: c.1118G>A, p.Arg373His (NM_001177842.2); short protein forms R373H, R401H.
Identifiers: ClinVar variation 4981322 (VCV004981322.1).

ClinVar aggregate classification (germline): Uncertain significance (1 of 4 stars; one submission).

Conditions:
SRPRA-related disorder. Also called: SRPRA-related condition.

gnomAD v4.1: 24 of 1,613,930 alleles (0.0015%); highest among the groups gnomAD compares: African/African-American, 0.0053%; no homozygotes.

Submission:

PreventionGenetics, part of Exact Sciences
Classification: Uncertain significance for SRPRA-related condition. Last evaluated: 2025-04-02. Review status: criteria provided, single submitter. Criteria: ACMG Guidelines, 2015. Collection method: clinical testing. Allele origin: germline.
Comment: The SRPRA c.1202G>A variant is predicted to result in the amino acid substitution p.Arg401His. To our knowledge, this variant has not been reported in the literature. This variant is reported in 0.0040% of alleles in individuals of African descent in gnomAD. At this time, the clinical significance of this variant is uncertain due to the absence of conclusive functional and genetic evidence.